The following is an entry in ClinVar:

ClinVar aggregate classification (germline): Conflicting classifications of pathogenicity. Review status: criteria provided, conflicting classifications (1 of 4 stars). 2 submissions from 2 submitters: Uncertain significance (1); Likely benign (1). Last evaluated 2025-12-08.

Conditions:
TMEM67-related disorder. Also called: TMEM67-related condition; TMEM67-related disorders. Identifiers: MedGen CN239423.
Joubert syndrome. Also called: Familial aplasia of the vermis; JOUBERT-BOLTSHAUSER SYNDROME. Identifiers: Orphanet 475, MedGen C5979921, MONDO:0018772.
Meckel-Gruber syndrome. Also called: Dysencephalia splachnocystica; DYSENCEPHALIA SPLANCHNOCYSTICA; GRUBER SYNDROME. Identifiers: Orphanet 564, MedGen C0265215, MONDO:0018921.

Allele frequency attached by ClinVar (database versions not stated): gnomAD 0.00001; gnomAD exomes 0.00001 and 0.00003; ExAC 0.00002; TOPMed 0.00002.
gnomAD v4.1: 19 of 1,611,838 alleles (0.0012%); highest among the groups gnomAD compares: Non-Finnish European, 0.000085%; no homozygotes.

Submissions (2):

PreventionGenetics, part of Exact Sciences
Classification: Likely benign for TMEM67-related condition. Last evaluated: 2025-12-08. Review status: criteria provided, single submitter. Criteria: ACMG Guidelines, 2015. Collection method: clinical testing. Allele origin: germline.
Comment: This variant is classified as likely benign based on ACMG/AMP sequence variant interpretation guidelines (Richards et al. 2015 PMID: 25741868, with internal and published modifications).

Labcorp Genetics (formerly Invitae), Labcorp
Classification: Uncertain significance for Joubert syndrome; Meckel-Gruber syndrome. Last evaluated: 2021-02-19. Review status: criteria provided, single submitter. Criteria: Invitae Variant Classification Sherloc (09022015). Collection method: clinical testing. Allele origin: germline.
Comment: This sequence change falls in intron 12 of the TMEM67 gene. It does not directly change the encoded amino acid sequence of the TMEM67 protein. It affects a nucleotide within the consensus splice site of the intron. This variant is present in population databases (rs766852784, ExAC 0.003%). This variant has not been reported in the literature in individuals with TMEM67-related conditions. Nucleotide substitutions within the consensus splice site are a relatively common cause of aberrant splicing (PMID: 17576681, 9536098). Algorithms developed to predict the effect of sequence changes on RNA splicing suggest that this variant is not likely to affect RNA splicing, but this prediction has not been confirmed by published transcriptional studies. In summary, the available evidence is currently insufficient to determine the role of this variant in disease. Therefore, it has been classified as a Variant of Uncertain Significance.

Literature cited by the submitters: PubMed 17576681 (cited by Labcorp Genetics (formerly Invitae), Labcorp); PubMed 9536098 (cited by Labcorp Genetics (formerly Invitae), Labcorp).

NM_153704.6(TMEM67):c.1288+6A>G

Gene: TMEM67 (transmembrane protein 67; plus strand). Cytogenetic location: 8q22.1.
Variant type: single nucleotide variant.
Coding change: c.1288+6A>G on transcript NM_153704.6 (MANE Select); 6 bases into the intron after coding-DNA position 1288, A replaced by G.
Molecular consequence: intron variant.
Genome position (GRCh38, 1-based): chr8:93,785,384, A>G. VCF-style: chr8-93785384-A-G. GRCh37 (hg19) VCF-style: chr8-94797612-A-G.
Other names: c.1045+6A>G (NM_001142301.1); c.1288+6A>G (NM_153704.5).
Identifiers: ClinVar variation 1503698 (VCV001503698.4), dbSNP rs766852784, ClinGen allele CA4807913.
Genomic context (GRCh38, chr8:93,785,384, plus strand): 5'-GCTGTGCCTGTGTTAAACCTAAATCTTCAACATAATAAGATATTTGTGAACCAAGGTAAG[A>G]CATCCATACATACCACTCTTTTCCCTGAGCAGAAATCAACAAATAAGTTAACCTACATGA-3'